The following is an entry in ClinVar:

NM_032578.4(MYPN):c.838G>C (p.Val280Leu)

Gene: MYPN (myopalladin; plus strand). Cytogenetic location: 10q21.3.
Variant type: single nucleotide variant.
Coding change: c.838G>C on transcript NM_032578.4 (MANE Select); coding-DNA position 838, G replaced by C.
Protein change: p.Val280Leu; replaces valine 280 with leucine.
Molecular consequence: missense variant. On other transcripts: 5 prime UTR variant (1), non-coding transcript variant (1).
Genome position (GRCh38, 1-based): chr10:68,122,276, G>C. VCF-style: chr10-68122276-G-C. GRCh37 (hg19) VCF-style: chr10-69882033-G-C.
Other names: c.838G>C, p.Val280Leu (NM_001256267.2); c.-285G>C (NM_001256268.2); short protein forms V280L.
Identifiers: ClinVar variation 3402028 (VCV003402028.1).

ClinVar aggregate classification (germline): Uncertain significance (1 of 4 stars; one submission).

Conditions:
Cardiovascular phenotype. Identifiers: MedGen CN230736.

gnomAD v4.1: 4 of 1,614,056 alleles (0.00025%); highest among the groups gnomAD compares: East Asian, 0.0022%; no homozygotes.

Submission:

Ambry Genetics
Classification: Uncertain significance for Cardiovascular phenotype. Last evaluated: 2024-08-07. Review status: criteria provided, single submitter. Criteria: Ambry Variant Classification Scheme 2023. Collection method: clinical testing. Allele origin: germline.
Comment: The p.V280L variant (also known as c.838G>C), located in coding exon 1 of the MYPN gene, results from a G to C substitution at nucleotide position 838. The valine at codon 280 is replaced by leucine, an amino acid with highly similar properties. This amino acid position is conserved. In addition, the in silico prediction for this alteration is inconclusive. Based on the available evidence, the clinical significance of this variant remains unclear.